The following is an entry in ClinVar:

NM_013275.6(ANKRD11):c.7841C>T (p.Ala2614Val)

Gene: ANKRD11 (ankyrin repeat domain 11; minus strand). Cytogenetic location: 16q24.3.
Variant type: single nucleotide variant.
Coding change: c.7841C>T on transcript NM_013275.6 (MANE Select); coding-DNA position 7841, C replaced by T.
Protein change: p.Ala2614Val; replaces alanine 2614 with valine.
Molecular consequence: missense variant.
Genome position (GRCh38, 1-based): chr16:89,268,629, G>A on the plus strand (C>T on the coding strand, the complement: ANKRD11 is on the minus strand). VCF-style: chr16-89268629-G-A. GRCh37 (hg19) VCF-style: chr16-89335037-G-A.
Other names: c.7841C>T, p.Ala2614Val (NM_001256182.2, NM_001256183.2); short protein forms A2614V.
Identifiers: ClinVar variation 3257491 (VCV003257491.17).
Genomic context (GRCh38, chr16:89,268,629, plus strand): 5'-GCGGGGTCCAGTTCCTGCACCTTCAGCTGCCACTCCATCCTCTGCACGGCGTTCAGGGCC[G>A]CGGCCTCGTGCTGCTGCCGCATGAGGAGGCAAGTCTGCGGGACACACAGCGGGGAGAGGA-3'
Protein context (NP_037407.4, residues 2604-2624): CLLMRQQHEA[Ala2614Val]ALNAVQRMEW

ClinVar aggregate classification (germline): Uncertain significance (1 of 4 stars; one submission).

gnomAD v4.1: 1 of 1,571,662 alleles (0.000064%); highest among the groups gnomAD compares: Non-Finnish European, 0.000086%; no homozygotes.

Submission:

CeGaT Center for Human Genetics Tuebingen
Classification: Uncertain significance. Last evaluated: 2024-07-01. Review status: criteria provided, single submitter. Criteria: CeGaT Center For Human Genetics Tuebingen Variant Classification Criteria Version 2. Collection method: clinical testing. Allele origin: germline. Affected: yes. Observed: 1 variant allele.
Comment: ANKRD11: PM2, PP2